The following is an entry in ClinVar:

ClinVar aggregate classification (germline): Pathogenic/Likely pathogenic. Review status: criteria provided, multiple submitters, no conflicts (2 of 4 stars). 4 submissions from 4 submitters: Pathogenic (2); Likely pathogenic (1). 1 of the submissions does not count toward it. Last evaluated 2021-05-13.

Conditions:
Cardiovascular phenotype. Identifiers: MedGen CN230736.
Familial long QT syndrome (RWS). Also called: Congenital long QT syndrome; Romano-Ward syndrome; VENTRICULAR FIBRILLATION WITH PROLONGED QT INTERVAL. Identifiers: Orphanet 768, MedGen C1141890, MONDO:0019171.

Submissions (4):

Mayo Clinic Laboratories, Mayo Clinic
Classification: Pathogenic. Last evaluated: 2021-05-13. Review status: criteria provided, single submitter. Criteria: ACMG Guidelines, 2015. Collection method: clinical testing. Allele origin: germline.
Comment: PS3, PS4_supporting, PM1, PM2, PP3

Ambry Genetics
Classification: Likely pathogenic for Cardiovascular phenotype. Last evaluated: 2019-09-17. Review status: criteria provided, single submitter. Criteria: Ambry Variant Classification Scheme 2023. Collection method: clinical testing. Allele origin: germline.
Comment: The p.P632S variant (also known as c.1894C>T), located in coding exon 7 of the KCNH2 gene, results from a C to T substitution at nucleotide position 1894. The proline at codon 632 is replaced by serine, an amino acid with similar properties. This variant was reported in two studies of individuals and families reported to have long QT syndrome (LQTS) (Splawski I et al. Circulation. 2000;102(10):1178-85; Andrsova I et al. J Electrocardiol. 2012;45(6):746-51). One study with in vitro analyses suggested this alteration to result in abnormal protein trafficking (Anderson CL et al. Nat Commun. 2014;5:5535). In addition, another alteration affecting the same amino acid (p.P632A (c.1894C>G)) has also been reported in association with LQTS (Mullally J et al. Heart Rhythm. 2013;10(3):378-82). This variant was previously reported in the SNPDatabase as rs199473527. This variant was not reported in population-based cohorts in the following databases: NHLBI Exome Sequencing Project (ESP), and 1000 Genomes Project.This amino acid position is highly conserved in available vertebrate species. In addition, this alteration is predicted to be deleterious by in silico analysis. Based on the majority of available evidence to date, this variant is likely to be pathogenic.

GeneDx
Classification: Pathogenic. Last evaluated: 2014-07-23. Review status: criteria provided, single submitter. Criteria: GeneDx Variant Classification (06012015). Collection method: clinical testing. Allele origin: germline. Affected: yes.
Comment: p.Pro632Ser (CCC>TCC): c.1894 C>T in exon 7 of the KCNH2 gene (NM_000238.2). The P632S mutation in the KCNH2 gene has been reported in one individual with LQTS and it was absent from more than 400 control chromosomes (Splawski I et al., 2000). Furthermore, the P632S mutation was not observed in approximately 6,500 individuals of European and African American ancestry in the NHLBI Exome Sequencing Project, indicating it is not a common benign variant in these populations. In addition, P632S results in a non-conservative amino acid substitution, which is likely to impact secondary protein structure as these residues differ in polarity, charge, size and/or other properties, at a position that is conserved across mammalian species. In silico analysis predicts this variant is probably damaging to the protein structure/function. Moreover, a mutation in this residue (P632A) and mutations in nearby residues (S631A, N633D, N633I, N633S, N633K) have been reported in association with LQTS, further supporting the functional importance of this residue andregion of the protein. In summary, P632S in the KCNH2 gene is interpreted as a disease-causing mutation. The variant is found in LQT panel(s).

Cardiovascular Biomedical Research Unit, Royal Brompton & Harefield NHS Foundation Trust
No classification provided. Condition: Familial long QT syndrome. Review status: no classification provided. Collection method: literature only. Allele origin: germline. Not counted in ClinVar's aggregate classification.
Comment: This variant has been reported as associated with Long QT syndrome in the following publications (PMID:10973849). This is a literature report, and does not necessarily reflect the clinical interpretation of the Imperial College / Royal Brompton Cardiovascular Genetics laboratory.

Literature cited by the submitters: PubMed 10973849 (cited by 3 submitters); PubMed 22727609 (cited by Mayo Clinic Laboratories, Mayo Clinic and Ambry Genetics); PubMed 25417810 (cited by Mayo Clinic Laboratories, Mayo Clinic and Ambry Genetics); PubMed 22581653 (cited by Cardiovascular Biomedical Research Unit, Royal Brompton & Harefield NHS Foundation Trust).

NM_000238.4(KCNH2):c.1894C>T (p.Pro632Ser)

Gene: KCNH2 (potassium voltage-gated channel subfamily H member 2; minus strand). Cytogenetic location: 7q36.1.
Variant type: single nucleotide variant.
Coding change: c.1894C>T on transcript NM_000238.4 (MANE Select); coding-DNA position 1894, C replaced by T.
Protein change: p.Pro632Ser; replaces proline 632 with serine.
Molecular consequence: missense variant.
Genome position (GRCh38, 1-based): chr7:150,951,499, G>A on the plus strand (C>T on the coding strand, the complement: KCNH2 is on the minus strand). VCF-style: chr7-150951499-G-A. GRCh37 (hg19) VCF-style: chr7-150648587-G-A.
Other names: p.P632S:CCC>TCC; c.1894C>T (LRG_288t1); c.874C>T, p.Pro292Ser (NM_001204798.2, NM_172057.3); c.1606C>T, p.Pro536Ser (NM_001406753.1, NM_001406756.1); c.1717C>T, p.Pro573Ser (NM_001406755.1); c.1594C>T, p.Pro532Ser (NM_001406757.1); c.1894C>T, p.Pro632Ser (NM_172056.3); short protein forms P292S, P632S, P536S, P573S, P532S.
Identifiers: ClinVar variation 67321 (VCV000067321.12), dbSNP rs199473527, ClinGen allele CA005893.